The following is an entry in ClinVar:

ClinVar aggregate classification (germline): Uncertain significance (1 of 4 stars; one submission).

Conditions:
Neurofibromatosis, type 1 (NF1). Also called: NEUROFIBROMATOSIS, TYPE I, SOMATIC; Neurofibromatosis, type I; Peripheral type neurofibromatosis; VON RECKLINGHAUSEN DISEASE. Identifiers: Orphanet 636, MedGen C0027831, MONDO:0018975, OMIM 162200. Disease mechanism: loss of function.

Submission:

Labcorp Genetics (formerly Invitae), Labcorp
Classification: Uncertain significance for Neurofibromatosis, type 1. Last evaluated: 2024-06-28. Review status: criteria provided, single submitter. Criteria: Invitae Variant Classification Sherloc (09022015). Collection method: clinical testing. Allele origin: germline.
Comment: This sequence change replaces arginine, which is basic and polar, with tryptophan, which is neutral and slightly polar, at codon 1849 of the NF1 protein (p.Arg1849Trp). This variant is not present in population databases (gnomAD no frequency). This variant has not been reported in the literature in individuals affected with NF1-related conditions. ClinVar contains an entry for this variant (Variation ID: 2091576). An algorithm developed to predict the effect of missense changes on protein structure and function (PolyPhen-2) suggests that this variant is likely to be disruptive. This variant disrupts the p.Arg1849 amino acid residue in NF1. Other variant(s) that disrupt this residue have been determined to be pathogenic (PMID: 10607834, 10980545, 23668869, 23913538, 25325900). This suggests that this residue is clinically significant, and that variants that disrupt this residue are likely to be disease-causing. In summary, the available evidence is currently insufficient to determine the role of this variant in disease. Therefore, it has been classified as a Variant of Uncertain Significance.

Literature cited by the submitters: PubMed 10607834; PubMed 10980545; PubMed 23668869; PubMed 23913538; PubMed 25325900.

NM_001042492.3(NF1):c.5608C>T (p.Arg1870Trp)

Gene: NF1 (neurofibromin 1; plus strand). Cytogenetic location: 17q11.2.
Variant type: single nucleotide variant.
Coding change: c.5608C>T on transcript NM_001042492.3 (MANE Select); coding-DNA position 5608, C replaced by T.
Protein change: p.Arg1870Trp; replaces arginine 1870 with tryptophan.
Molecular consequence: missense variant.
Genome position (GRCh38, 1-based): chr17:31,327,838, C>T. VCF-style: chr17-31327838-C-T. GRCh37 (hg19) VCF-style: chr17-29654856-C-T.
Other names: c.5545C>T, p.Arg1849Trp (NM_000267.4); short protein forms R1849W, R1870W.
Identifiers: ClinVar variation 2091576 (VCV002091576.4), dbSNP rs1049849034, ClinGen allele CA289379005.
Genomic context (GRCh38, chr17:31,327,838, plus strand): 5'-GTCCCTGGGACACTGCTCAATATCGCATTACTTAATTTAGGCAGTTCTGACCCGAGTTTA[C>T]GGTAGGTTTTTTAAAATTCTCTTCAGTTTGATTTGGGGTTTGTTGCTTTTAAAATGAGAC-3'
Protein context (NP_001035957.1, residues 1860-1880): LNLGSSDPSL[Arg1870Trp]SAAYNLLCAL